The following is an entry in ClinVar:

NM_000138.5(FBN1):c.4410T>G (p.Cys1470Trp)

Gene: FBN1 (fibrillin 1; minus strand). Cytogenetic location: 15q21.1.
Variant type: single nucleotide variant.
Coding change: c.4410T>G on transcript NM_000138.5 (MANE Select); coding-DNA position 4410, T replaced by G.
Protein change: p.Cys1470Trp; replaces cysteine 1470 with tryptophan.
Molecular consequence: missense variant.
Genome position (GRCh38, 1-based): chr15:48,470,683, A>C on the plus strand (T>G on the coding strand, the complement: FBN1 is on the minus strand). VCF-style: chr15-48470683-A-C. GRCh37 (hg19) VCF-style: chr15-48762880-A-C.
Other names: c.4410T>G, p.Cys1470Trp (NM_001406716.1); short protein forms C1470W.
Identifiers: ClinVar variation 3775198 (VCV003775198.1).

ClinVar aggregate classification (germline): Uncertain significance (1 of 4 stars; one submission).

Conditions:
Marfan syndrome (MFS). Also called: MARFAN SYNDROME, TYPE I; Marfan syndrome type 1; Marfan's syndrome; Marfan syndrome, classic; FBN1-Related Marfan Syndrome. Identifiers: Orphanet 284963, Orphanet 558, MedGen C0024796, MONDO:0007947, OMIM 154700.

Submission:

3billion
Classification: Uncertain significance for Marfan syndrome. Last evaluated: 2023-08-30. Review status: criteria provided, single submitter. Criteria: ACMG Guidelines, 2015. Collection method: clinical testing. Allele origin: germline. Affected: yes.
Comment: The variant is not observed in the gnomAD v2.1.1 dataset. Predicted Consequence/Location: Missense variant In silico tool predictions suggest damaging effect of the variant on gene or gene product [REVEL: 0.89 (>=0.6, sensitivity 0.68 and specificity 0.92); 3Cnet: 0.98 (>=0.6, sensitivity 0.72 and precision 0.9)]. Different missense changes at the same codon (p.Cys1470Arg, p.Cys1470Tyr) have been reported as pathogenic/likely pathogenic with strong evidence (ClinVar ID: VCV001325422 /PMID: 11933199, 17627385). Therefore, this variant is classified as VUS according to the recommendation of ACMG/AMP guideline.

Literature cited by the submitters: PubMed 11933199.